The following is an entry in ClinVar:

ClinVar aggregate classification (germline): Pathogenic (1 of 4 stars; one submission).

Conditions:
Severe myoclonic epilepsy in infancy (DRVT). Also called: Epileptic encephalopathy, early infantile, 6 (Dravet syndrome); SEVERE MYOCLONIC EPILEPSY OF INFANCY; DEVELOPMENTAL AND EPILEPTIC ENCEPHALOPATHY 6A; Severe Myoclonic Epilepsy in Infancy (SMEI); Dravet syndrome. Identifiers: Orphanet 33069, MedGen C0751122, MONDO:0100135, OMIM 607208.

Submission:

Center for Bioinformatics, Peking University
Classification: Pathogenic for Dravet syndrome. Last evaluated: 2014-12-20. Review status: criteria provided, single submitter. Criteria: Xu et al. (Hum Mutat. 2015). Collection method: research. Allele origin: de novo. Affected: yes. Observed: 1 variant allele. Study: University Clinical Cooperation “985 Project” PKU-2014-1-1.
Comment: Dravet syndrome (DS) probands were recruited from the outpatient and inpatient child neurology units of Peking University First Hospital from 2005 till present. The study was approved by the Ethics Committee of Peking University First Hospital and the Institutional Review Board at Peking University. Participants or their parents provided written informed consent before enrollment. We collected a total of 267 mutations from 255 families with probands diagnosed with DS in China. All probands fulfilled the clinical diagnostic criteria.

NM_001165963.4(SCN1A):c.4766T>G (p.Val1589Gly)

Genes: SCN1A (sodium voltage-gated channel alpha subunit 1; minus strand), LOC102724058 (uncharacterized LOC102724058; plus strand). Cytogenetic location: 2q24.3.
Variant type: single nucleotide variant.
Coding change: c.4766T>G on transcript NM_001165963.4 (MANE Select); coding-DNA position 4766, T replaced by G.
Protein change: p.Val1589Gly; replaces valine 1589 with glycine.
Molecular consequence: missense variant. On other transcripts: non-coding transcript variant (1).
Genome position (GRCh38, 1-based): chr2:165,994,232, A>C on the plus strand (T>G on the coding strand, the complement: SCN1A is on the minus strand). VCF-style: chr2-165994232-A-C. GRCh37 (hg19) VCF-style: chr2-166850742-A-C.
Other names: c.4682T>G, p.Val1561Gly (NM_001165964.3, NM_001353957.2, NM_001353958.2); c.4766T>G, p.Val1589Gly (NM_001202435.3, NM_001353948.2); c.4733T>G, p.Val1578Gly (NM_001353949.2, NM_001353950.2, NM_001353951.2 and 2 more transcripts); c.4730T>G, p.Val1577Gly (NM_001353954.2, NM_001353955.2); c.4679T>G, p.Val1560Gly (NM_001353960.2); c.2324T>G, p.Val775Gly (NM_001353961.2); short protein forms V1578G, V1589G, V1560G, V1577G, V1561G, V775G.
Identifiers: ClinVar variation 189998 (VCV000189998.1), dbSNP rs764037830, ClinGen allele CA303511.